The following is an entry in ClinVar:

ClinVar aggregate classification (germline): Benign/Likely benign. Review status: criteria provided, multiple submitters, no conflicts (2 of 4 stars). 12 submissions from 12 submitters: Benign (4); Likely benign (5). 3 of the submissions do not count toward it. Last evaluated 2026-02-04.

Conditions:
Hereditary cancer-predisposing syndrome. Also called: Tumor predisposition; Hereditary neoplastic syndrome; Hereditary Cancer Syndrome; Neoplastic Syndromes, Hereditary. Identifiers: Orphanet 140162, MedGen C0027672, MeSH D009386, MONDO:0015356.
Hereditary breast ovarian cancer syndrome. Also called: Hereditary breast and/or ovarian cancer syndrome; Breast and ovarian cancer; Hereditary breast and ovarian cancer syndrome; Hereditary breast and ovarian cancer; Hereditary breast and ovarian cancer syndrome (HBOC); BRCA1- and BRCA2-Associated Hereditary Breast and Ovarian Cancer. Identifiers: Orphanet 145, MedGen C0677776, MeSH D061325, MONDO:0003582. Disease mechanism: loss of function.
Breast-ovarian cancer, familial, susceptibility to, 1 (BROVCA1). Also called: BRCA1 Hereditary Breast and Ovarian Cancer; OVARIAN CANCER, SUSCEPTIBILITY TO. Identifiers: Orphanet 145, MedGen C2676676, MONDO:0011450, OMIM 604370. Disease mechanism: loss of function.

Allele frequency attached by ClinVar (database versions not stated): gnomAD exomes 0.00006 and 0.00016; ExAC 0.00009; gnomAD 0.00009 and 0.00011; TOPMed 0.00014; ESP Exome Variant Server 0.00015; 1000 Genomes Project 30x 0.00031; 1000 Genomes Project 0.00020.
gnomAD v4.1: 114 of 1,596,030 alleles (0.0071%); highest among the groups gnomAD compares: Admixed American, 0.035%; no homozygotes.

Submissions (12):

Labcorp Genetics (formerly Invitae), Labcorp
Classification: Benign for Hereditary breast ovarian cancer syndrome. Last evaluated: 2026-02-04. Review status: criteria provided, single submitter. Criteria: Invitae Variant Classification Sherloc (09022015). Collection method: clinical testing. Allele origin: germline.

Molecular Diagnostics Laboratory, Catalan Institute of Oncology
Classification: Likely benign for Hereditary cancer-predisposing syndrome. Last evaluated: 2025-05-20. Review status: criteria provided, single submitter. Criteria: ClinGen BRCA1BRCA2 ACMG Specifications BRCA1 V1.0.0. Collection method: clinical testing. Allele origin: germline.
Comment: BS1, BP4, BP7 BRCA1 c.5152+20T>A is an intronic variant not very close to a canonical splice site, where the SpliceAI algorithm predicts no significant impact on splicing (BP4, BP7). The variant allele was found in 11/35054 alleles, with a filter allele frequency of 0.0136% at 99% confidence, within the Latino population in the gnomAD v2.1.1 database (non-cancer data set) (BS1). To our knowledge, neither relevant clinical data nor well-stablished functional studies have been reported for this variant. In addition, it was also identified in the following databases: BRCA Exchange (Not Yet Reviewed), ClinVar (5x benign, 5x likely benign) and LOVD (2x benign, 4x likely benign, 6x as uncertain significance). Based on the currently available information, c.5152+20T>A is classified as a likely benign according to ClinGen-BRCA1 Guidelines version v1.0.0.

Center for Genomic Medicine, Rigshospitalet, Copenhagen University Hospital
Classification: Likely benign. Last evaluated: 2025-03-04. Review status: criteria provided, single submitter. Criteria: ACMG Guidelines, 2015. Collection method: clinical testing. Allele origin: germline.

Blueprint Genetics
Classification: Likely benign. Last evaluated: 2024-11-14. Review status: criteria provided, single submitter. Criteria: ACMG Guidelines, 2015. Collection method: clinical testing. Allele origin: germline.

Women's Health and Genetics/Laboratory Corporation of America, LabCorp
Classification: Benign. Last evaluated: 2019-06-20. Review status: criteria provided, single submitter. Criteria: LabCorp Variant Classification Summary - May 2015. Collection method: clinical testing. Allele origin: germline.
Comment: Variant summary: BRCA1 c.5152+20T>A alters a non-conserved nucleotide located close to a canonical splice site and therefore could affect mRNA splicing, leading to a significantly altered protein sequence. 5/5 computational tools predict no significant impact on normal splicing. However, these predictions have yet to be confirmed by functional studies. The variant allele was found at a frequency of 0.00016 in 250844 control chromosomes. This frequency is not significantly higher than expected for a pathogenic variant in BRCA1 causing Hereditary Breast and Ovarian Cancer (0.00016 vs 0.001), allowing no conclusion about variant significance. c.5152+20T>A has been reported in the literature in individuals affected with Hereditary Breast and Ovarian Cancer (Wagner_1999), however in one case the variant was present in both an affected and unaffected family member, which provides supporting evidence for a benign role of this variant, although the age of the family members was not provided (Mohammadi_2009). Co-occurrences with other pathogenic variant(s) have been reported (BRCA2 c.7235insG via UMD; BRCA1 c.68_69delAG from an internal specimen; and BRCA1 c.5152+2T>G from an internal specimen), providing supporting evidence for a benign role. To our knowledge, no experimental evidence demonstrating an impact on protein function has been reported. Three ClinVar submissions from clinical diagnostic laboratories (evaluation after 2014) cites the variant as likely benign/benign. Based on the evidence outlined above, the variant was classified as a benign variant.

Mendelics
Classification: Likely benign for Breast-ovarian cancer, familial, susceptibility to, 1. Last evaluated: 2019-05-28. Review status: criteria provided, single submitter. Criteria: Mendelics Assertion Criteria 2017. Collection method: clinical testing. Allele origin: unknown.

Color Diagnostics, LLC DBA Color Health
Classification: Benign for Hereditary cancer-predisposing syndrome. Last evaluated: 2015-10-15. Review status: criteria provided, single submitter. Criteria: ACMG Guidelines, 2015. Collection method: clinical testing. Allele origin: germline.

GeneDx
Classification: Benign. Last evaluated: 2014-05-09. Review status: criteria provided, single submitter. Criteria: GeneDx Variant Classification (06012015). Collection method: clinical testing. Allele origin: germline. Affected: yes.
Comment: This variant is considered likely benign or benign based on one or more of the following criteria: it is a conservative change, it occurs at a poorly conserved position in the protein, it is predicted to be benign by multiple in silico algorithms, and/or has population frequency not consistent with disease.

Ambry Genetics
Classification: Likely benign for Hereditary cancer-predisposing syndrome. Last evaluated: 2013-12-05. Review status: criteria provided, single submitter. Criteria: Ambry Autosomal Dominant and X-Linked criteria (10/2015). Collection method: clinical testing. Allele origin: germline. Observed: 1 variant allele.

Counsyl
Classification: Likely benign for Breast-ovarian cancer, familial, susceptibility to, 1. Last evaluated: 2016-06-01. Review status: no assertion criteria provided. Collection method: clinical testing. Allele origin: unknown. Not counted in ClinVar's aggregate classification.

Clinical Genetics DNA and cytogenetics Diagnostics Lab, Erasmus MC, Erasmus Medical Center
Classification: Benign. Review status: no assertion criteria provided. Collection method: clinical testing. Allele origin: germline. Affected: yes. Study: VKGL Data-share Consensus. Not counted in ClinVar's aggregate classification.

Clinical Genetics Laboratory, Department of Pathology, Netherlands Cancer Institute
Classification: Likely benign. Review status: no assertion criteria provided. Collection method: clinical testing. Allele origin: germline. Affected: yes. Study: VKGL Data-share Consensus. Not counted in ClinVar's aggregate classification.

Literature cited by the submitters: PubMed 10644434 (cited by Women's Health and Genetics/Laboratory Corporation of America, LabCorp); PubMed 19370767 (cited by Women's Health and Genetics/Laboratory Corporation of America, LabCorp); PubMed 19563646 (cited by Women's Health and Genetics/Laboratory Corporation of America, LabCorp and Counsyl).

NM_007294.4(BRCA1):c.5152+20T>A

Gene: BRCA1 (BRCA1 DNA repair associated; minus strand). Cytogenetic location: 17q21.31.
Variant type: single nucleotide variant.
Coding change: c.5152+20T>A on transcript NM_007294.4 (MANE Select); 20 bases into the intron after coding-DNA position 5152, T replaced by A.
Molecular consequence: intron variant.
Genome position (GRCh38, 1-based): chr17:43,063,854, A>T on the plus strand (T>A on the coding strand, the complement: BRCA1 is on the minus strand). VCF-style: chr17-43063854-A-T. GRCh37 (hg19) VCF-style: chr17-41215871-A-T.
Other names: c.5149+20T>A (NM_001407617.1, NM_001407622.1, NM_001407860.1 and 17 more transcripts); c.5075-481T>A (NM_001407652.1); c.5152+20T>A (NM_001407854.1, NM_001407598.1, NM_001407596.1 and 7 more transcripts); c.1627+20T>A (NM_001408492.1, NM_001408493.1); c.1696+20T>A (NM_001408468.1, NM_001408470.1, NM_001408469.1); c.5005+20T>A (NM_001407842.1, NM_001407846.1, NM_001407850.1 and 12 more transcripts); c.5008+20T>A (NM_001407749.1, NM_001407943.1, NM_001407748.1 and 21 more transcripts); c.1579+20T>A (NM_001408501.1, NM_001408500.1, NM_001408497.1 and 3 more transcripts); and 73 more.
Identifiers: ClinVar variation 132704 (VCV000132704.27), dbSNP rs376836050, ClinGen allele CA003282.